The following is an entry in ClinVar:

NM_001142800.2(EYS):c.2554del (p.Leu852fs)

Gene: EYS (EGF-like photoreceptor maintenance factor; minus strand). Cytogenetic location: 6q12.
Variant type: Deletion.
Coding change: c.2554del on transcript NM_001142800.2 (MANE Select); coding-DNA position 2554, one base deleted (C; older notation c.2554delC).
Protein change: p.Leu852fs; shifts the reading frame from leucine 852.
Molecular consequence: frameshift variant.
Genome position (GRCh38, 1-based): chr6:64,912,571, G deleted on the plus strand (C on the coding strand, the reverse complement: EYS is on the minus strand); the first of 2 consecutive G bases (chr6:64,912,571-64,912,572); deleting either gives the same sequence. VCF-style (leftmost placement, unchanged base first): chr6-64912570-AG-A. GRCh37 (hg19) VCF-style: chr6-65622463-AG-A.
Other names: c.2554del, p.Leu852fs (NM_001292009.2); short protein forms L852fs.
Identifiers: ClinVar variation 1458382 (VCV001458382.6), dbSNP rs2150076802, ClinGen allele CA2573141029.

ClinVar aggregate classification (germline): Pathogenic (1 of 4 stars; one submission).

Submission:

Labcorp Genetics (formerly Invitae), Labcorp
Classification: Pathogenic. Last evaluated: 2021-08-13. Review status: criteria provided, single submitter. Criteria: Invitae Variant Classification Sherloc (09022015). Collection method: clinical testing. Allele origin: germline.
Comment: This sequence change creates a premature translational stop signal (p.Leu852Phefs*16) in the EYS gene. It is expected to result in an absent or disrupted protein product. Loss-of-function variants in EYS are known to be pathogenic (PMID: 18836446, 20333770). This variant is not present in population databases (ExAC no frequency). This variant has not been reported in the literature in individuals affected with EYS-related conditions. For these reasons, this variant has been classified as Pathogenic.

Literature cited by the submitters: PubMed 18836446; PubMed 20333770.